The following is an entry in ClinVar:

ClinVar aggregate classification (germline): Likely benign (1 of 4 stars; one submission).

Conditions:
SDHA-related disorder. Also called: SDHA-related condition; SDHA-related disorders.

gnomAD v4.1: 334 of 152,324 alleles (0.22%); highest among the groups gnomAD compares: African/African-American, 0.74%; 1 homozygote.

Submission:

PreventionGenetics, part of Exact Sciences
Classification: Likely benign for SDHA-related condition. Last evaluated: 2025-09-24. Review status: criteria provided, single submitter. Criteria: ACMG Guidelines, 2015. Collection method: clinical testing. Allele origin: germline.
Comment: This variant is classified as likely benign based on ACMG/AMP sequence variant interpretation guidelines (Richards et al. 2015 PMID: 25741868, with internal and published modifications).

NM_004168.4(SDHA):c.1552-2601A>G

Gene: SDHA (succinate dehydrogenase complex flavoprotein subunit A; plus strand). Cytogenetic location: 5p15.33.
Variant type: single nucleotide variant.
Coding change: c.1552-2601A>G on transcript NM_004168.4 (MANE Select); 2601 bases into the intron before coding-DNA position 1552, A replaced by G.
Molecular consequence: intron variant.
Genome position (GRCh38, 1-based): chr5:248,391, A>G. VCF-style: chr5-248391-A-G. GRCh37 (hg19) VCF-style: chr5-248506-A-G.
Other names: c.1552-6002A>G (NM_001330758.2); c.1408-2601A>G (NM_001294332.2).
Identifiers: ClinVar variation 4994100 (VCV004994100.1).
Genomic context (GRCh38, chr5:248,391, plus strand): 5'-CTGAGGTCAGATCAAGAAGCTGTCACAGATGGCAGAAGAAAACCTGAGGAAAGCGGGACA[A>G]CCAGTCACAATGAGTAATTTAATGGTAGCTGTGATAGCAGTGATCACCATTGCCATGAGT-3'